The following is an entry in ClinVar:

ClinVar aggregate classification (germline): Uncertain significance (1 of 4 stars; one submission).

Submission:

Labcorp Genetics (formerly Invitae), Labcorp
Classification: Uncertain significance. Last evaluated: 2024-06-17. Review status: criteria provided, single submitter. Criteria: Invitae Variant Classification Sherloc (09022015). Collection method: clinical testing. Allele origin: germline.
Comment: This variant, c.1062_1064del, results in the deletion of 1 amino acid(s) of the LIG1 protein (p.Leu355del), but otherwise preserves the integrity of the reading frame. This variant is not present in population databases (gnomAD no frequency). This variant has not been reported in the literature in individuals affected with LIG1-related conditions. Experimental studies and prediction algorithms are not available or were not evaluated, and the functional significance of this variant is currently unknown. In summary, the available evidence is currently insufficient to determine the role of this variant in disease. Therefore, it has been classified as a Variant of Uncertain Significance.

NM_000234.3(LIG1):c.1062_1064del (p.Leu355del)

Gene: LIG1 (DNA ligase 1; minus strand). Cytogenetic location: 19q13.33.
Variant type: Deletion.
Coding change: c.1062_1064del on transcript NM_000234.3 (MANE Select); coding-DNA positions 1062 to 1064, 3 bases deleted (TCT; older notation c.1062_1064delTCT).
Protein change: p.Leu355del; deletes leucine 355.
Molecular consequence: inframe deletion. On other transcripts: non-coding transcript variant (6).
Genome position (GRCh38, 1-based): chr19:48,139,994-48,139,996, AGA deleted on the plus strand (TCT on the coding strand, the reverse complement: LIG1 is on the minus strand); deleting any 3 consecutive bases within chr19:48,139,994-48,139,998 gives the same sequence; the c. name uses the placement nearest the transcript's 3' end. VCF-style (leftmost placement, unchanged base first): chr19-48139993-GAGA-G. GRCh37 (hg19) VCF-style: chr19-48643250-GAGA-G.
Other names: c.969_971del, p.Leu324del (NM_001289063.2); c.858_860del, p.Leu287del (NM_001289064.2); c.1059_1061del, p.Leu354del (NM_001320970.2); c.972_974del, p.Leu325del (NM_001320971.2); short protein forms L287del, L324del, L325del, L354del, L355del.
Identifiers: ClinVar variation 3611803 (VCV003611803.2).
Genomic context (GRCh38, chr19:48,139,993, plus strand): 5'-CCTGTCCTTCTGGTCCCTCCAACCACAGTCCCCCTTACCTGTGGCCTGGGCCACTGCCTT[GAGA>G]AGGACACCATCACCCACGCCAAGCTCCAGGCCCTGCTGGGGTGGCCCAAGGTGGTTGAGG-3'